The following is an entry in ClinVar:

NM_002334.4(LRP4):c.1829G>A (p.Arg610His)

Gene: LRP4 (LDL receptor related protein 4; minus strand). Cytogenetic location: 11p11.2.
Variant type: single nucleotide variant.
Coding change: c.1829G>A on transcript NM_002334.4 (MANE Select); coding-DNA position 1829, G replaced by A.
Protein change: p.Arg610His; replaces arginine 610 with histidine.
Molecular consequence: missense variant.
Genome position (GRCh38, 1-based): chr11:46,890,363, C>T on the plus strand (G>A on the coding strand, the complement: LRP4 is on the minus strand). VCF-style: chr11-46890363-C-T. GRCh37 (hg19) VCF-style: chr11-46911914-C-T.
Other names: short protein forms R610H.
Identifiers: ClinVar variation 862957 (VCV000862957.9), dbSNP rs17848218, ClinGen allele CA221643690.
Genomic context (GRCh38, chr11:46,890,363, plus strand): 5'-CTCCCATCCAGATTGGCCCTCTCGATGACATGGTGCTTAGCATCCACCCAGTACATACGG[C>T]GCCCGGCATAGTCGATGGTGAGGCCATTGGGCCAGAAGAGATGGGTATCGGCAATGATGC-3'
Protein context (NP_002325.2, residues 600-620): PNGLTIDYAG[Arg610His]RMYWVDAKHH

ClinVar aggregate classification (germline): Uncertain significance (1 of 4 stars; one submission).

Conditions:
Sclerosteosis 2 (SOST2). Identifiers: Orphanet 3152, MedGen C3280402, MONDO:0013679, OMIM 614305.
Cenani-Lenz syndactyly syndrome. Also called: CENANI SYNDACTYLISM; SYNDACTYLY, TYPE VII. Identifiers: Orphanet 3258, MedGen C1859309, MONDO:0008931, OMIM 212780.
Congenital myasthenic syndrome 17. Identifiers: Orphanet 590, MedGen C4225377, MONDO:0014578, OMIM 616304.

Allele frequency attached by ClinVar (database versions not stated): TOPMed below 0.00001; gnomAD 0.00001; gnomAD exomes 0.00001.
gnomAD v4.1: 10 of 1,614,032 alleles (0.00062%); highest among the groups gnomAD compares: East Asian, 0.011%; no homozygotes.

Submission:

Labcorp Genetics (formerly Invitae), Labcorp
Classification: Uncertain significance for Cenani-Lenz syndactyly syndrome; Sclerosteosis 2; Congenital myasthenic syndrome 17. Last evaluated: 2024-10-29. Review status: criteria provided, single submitter. Criteria: Invitae Variant Classification Sherloc (09022015). Collection method: clinical testing. Allele origin: germline.
Comment: This sequence change replaces arginine, which is basic and polar, with histidine, which is basic and polar, at codon 610 of the LRP4 protein (p.Arg610His). This variant is not present in population databases (gnomAD no frequency). This variant has not been reported in the literature in individuals affected with LRP4-related conditions. ClinVar contains an entry for this variant (Variation ID: 862957). Invitae Evidence Modeling of protein sequence and biophysical properties (such as structural, functional, and spatial information, amino acid conservation, physicochemical variation, residue mobility, and thermodynamic stability) indicates that this missense variant is not expected to disrupt LRP4 protein function with a negative predictive value of 80%. In summary, the available evidence is currently insufficient to determine the role of this variant in disease. Therefore, it has been classified as a Variant of Uncertain Significance.